The following is an entry in ClinVar:

NM_000088.4(COL1A1):c.3736C>T (p.Arg1246Trp)

Gene: COL1A1 (collagen type I alpha 1 chain; minus strand). Cytogenetic location: 17q21.33.
Variant type: single nucleotide variant.
Coding change: c.3736C>T on transcript NM_000088.4 (MANE Select); coding-DNA position 3736, C replaced by T.
Protein change: p.Arg1246Trp; replaces arginine 1246 with tryptophan.
Molecular consequence: missense variant.
Genome position (GRCh38, 1-based): chr17:50,186,718, G>A on the plus strand (C>T on the coding strand, the complement: COL1A1 is on the minus strand). VCF-style: chr17-50186718-G-A. GRCh37 (hg19) VCF-style: chr17-48264079-G-A.
Other names: short protein forms R1246W.
Identifiers: ClinVar variation 4738872 (VCV004738872.1).

ClinVar aggregate classification (germline): Uncertain significance (1 of 4 stars; one submission).

Conditions:
Osteogenesis imperfecta type I (OI1). Also called: Osteogenesis imperfecta type 1; Lobstein's Disease; OI, TYPE I; OSTEOGENESIS IMPERFECTA TARDA; OSTEOGENESIS IMPERFECTA WITH BLUE SCLERAE; Lobstein disease. Identifiers: Orphanet 216796, Orphanet 666, MedGen C0023931, MONDO:0008146, OMIM 166200. Disease mechanism: loss of function.

gnomAD v4.1: 5 of 1,613,564 alleles (0.00031%); highest among the groups gnomAD compares: African/African-American, 0.0027%; no homozygotes.

Submission:

Labcorp Genetics (formerly Invitae), Labcorp
Classification: Uncertain significance for Osteogenesis imperfecta type I. Last evaluated: 2025-05-23. Review status: criteria provided, single submitter. Criteria: Invitae Variant Classification Sherloc (09022015). Collection method: clinical testing. Allele origin: germline.
Comment: This sequence change replaces arginine, which is basic and polar, with tryptophan, which is neutral and slightly polar, at codon 1246 of the COL1A1 protein (p.Arg1246Trp). This variant is not present in population databases (gnomAD no frequency). This missense change has been observed in individual(s) with osteogenesis imperfecta (PMID: 30715774). Invitae Evidence Modeling of protein sequence and biophysical properties (such as structural, functional, and spatial information, amino acid conservation, physicochemical variation, residue mobility, and thermodynamic stability) has been performed for this missense variant. However, the output from this modeling did not meet the statistical confidence thresholds required to predict the impact of this variant on COL1A1 protein function. In summary, the available evidence is currently insufficient to determine the role of this variant in disease. Therefore, it has been classified as a Variant of Uncertain Significance.

Literature cited by the submitters: PubMed 30715774.